The following is an entry in ClinVar:

ClinVar aggregate classification (germline): Uncertain significance. Review status: criteria provided, multiple submitters, no conflicts (2 of 4 stars). 3 submissions from 3 submitters: Uncertain significance (3). Last evaluated 2024-07-26.

Conditions:
Familial hypercholesterolemia. Also called: Familial hypercholesterolemias; Familial hypercholesterolaemia. Identifiers: MedGen C0020445, MONDO:0005439.
Hypercholesterolemia, autosomal dominant, 3 (FHCL3). Also called: PCSK9-Related Familial Hypercholesterolemia, Autosomal Dominant; Familial Hypercholesterolemia, Autosomal Dominant, 3; Familial hypercholesterolemia 3. Identifiers: MedGen C1863551, MONDO:0011369, OMIM 603776.

gnomAD v4.1: 2 of 1,613,992 alleles (0.00012%); highest among the groups gnomAD compares: Non-Finnish European, 0.00017%; no homozygotes.

Submissions (3):

Color Diagnostics, LLC DBA Color Health
Classification: Uncertain significance for Familial hypercholesterolemia. Last evaluated: 2024-07-26. Review status: criteria provided, single submitter. Criteria: ACMG Guidelines, 2015. Collection method: clinical testing. Allele origin: germline.
Comment: This variant causes an A to C nucleotide substitution at the -3 position of intron 3 of the PCSK9 gene. To our knowledge, functional studies have not been reported for this variant. This variant has not been reported in individuals affected with PCSK9-related disorders in the literature. This variant has not been identified in the general population by the Genome Aggregation Database (gnomAD). The available evidence is insufficient to determine the role of this variant in disease conclusively. Therefore, this variant is classified as a Variant of Uncertain Significance.

Fulgent Genetics
Classification: Uncertain significance for Hypercholesterolemia, autosomal dominant, 3. Last evaluated: 2021-10-14. Review status: criteria provided, single submitter. Criteria: ACMG Guidelines, 2015. Collection method: clinical testing. Allele origin: unknown.

Labcorp Genetics (formerly Invitae), Labcorp
Classification: Uncertain significance for Hypercholesterolemia, autosomal dominant, 3. Last evaluated: 2020-02-11. Review status: criteria provided, single submitter. Criteria: Invitae Variant Classification Sherloc (09022015). Collection method: clinical testing. Allele origin: germline.
Comment: In summary, the available evidence is currently insufficient to determine the role of this variant in disease. Therefore, it has been classified as a Variant of Uncertain Significance. Nucleotide substitutions within the consensus splice site are a relatively common cause of aberrant splicing (PMID: 17576681, 9536098). Algorithms developed to predict the effect of sequence changes on RNA splicing suggest that this variant is not likely to affect RNA splicing, but this prediction has not been confirmed by published transcriptional studies. This variant has not been reported in the literature in individuals with PCSK9-related conditions. This variant is not present in population databases (ExAC no frequency). This sequence change falls in intron 3 of the PCSK9 gene. It does not directly change the encoded amino acid sequence of the PCSK9 protein, but it affects a nucleotide within the consensus splice site of the intron.

Literature cited by the submitters: PubMed 17576681 (cited by Labcorp Genetics (formerly Invitae), Labcorp); PubMed 9536098 (cited by Labcorp Genetics (formerly Invitae), Labcorp).

NM_174936.4(PCSK9):c.524-3A>C

Gene: PCSK9 (proprotein convertase subtilisin/kexin type 9; plus strand). Cytogenetic location: 1p32.3.
Variant type: single nucleotide variant.
Coding change: c.524-3A>C on transcript NM_174936.4 (MANE Select); 3 bases into the intron before coding-DNA position 524, A replaced by C.
Molecular consequence: intron variant.
Genome position (GRCh38, 1-based): chr1:55,052,275, A>C. VCF-style: chr1-55052275-A-C. GRCh37 (hg19) VCF-style: chr1-55517948-A-C.
Identifiers: ClinVar variation 1052974 (VCV001052974.11), dbSNP rs765777205, ClinGen allele CA22759724.